The following is an entry in ClinVar:

NM_000091.5(COL4A3):c.1315+18G>A

Genes: COL4A3 (collagen type IV alpha 3 chain; plus strand), MFF-DT (MFF divergent transcript; minus strand). Cytogenetic location: 2q36.3.
Variant type: single nucleotide variant.
Coding change: c.1315+18G>A on transcript NM_000091.5 (MANE Select); 18 bases into the intron after coding-DNA position 1315, G replaced by A.
Molecular consequence: intron variant.
Genome position (GRCh38, 1-based): chr2:227,263,962, G>A. VCF-style: chr2-227263962-G-A. GRCh37 (hg19) VCF-style: chr2-228128678-G-A.
Other names: c.1315+18G>A (NM_000091.4).
Identifiers: ClinVar variation 2201090 (VCV002201090.5), dbSNP rs188154694, ClinGen allele CA2146604.

ClinVar aggregate classification (germline): Likely benign. Review status: criteria provided, multiple submitters, no conflicts (2 of 4 stars). 2 submissions from 2 submitters: Likely benign (2). Last evaluated 2026-01-28.

Allele frequency attached by ClinVar (database versions not stated): gnomAD exomes 0.00002; TOPMed 0.00008; gnomAD 0.00009; ExAC 0.00013; 1000 Genomes Project 0.00060; 1000 Genomes Project 30x 0.00094.
gnomAD v4.1: 45 of 1,614,118 alleles (0.0028%); highest among the groups gnomAD compares: East Asian, 0.087%; no homozygotes.

Submissions (2):

Labcorp Genetics (formerly Invitae), Labcorp
Classification: Likely benign. Last evaluated: 2026-01-28. Review status: criteria provided, single submitter. Criteria: Invitae Variant Classification Sherloc (09022015). Collection method: clinical testing. Allele origin: germline.

Women's Health and Genetics/Laboratory Corporation of America, LabCorp
Classification: Likely benign. Last evaluated: 2023-02-14. Review status: criteria provided, single submitter. Criteria: LabCorp Variant Classification Summary - May 2015. Collection method: clinical testing. Allele origin: germline.
Comment: Variant summary: COL4A3 c.1315+18G>A alters a non-conserved nucleotide located close to a canonical splice site and therefore could affect mRNA splicing, leading to a significantly altered protein sequence. 4/4 computational tools predict no significant impact on normal splicing. However, these predictions have yet to be confirmed by functional studies. The variant allele was found at a frequency of 0.00012 in 249220 control chromosomes. This frequency is not significantly higher than estimated for a pathogenic variant in COL4A3 causing Alport Syndrome, Autosomal Recessive (0.00012 vs 0.0019), allowing no conclusion about variant significance. To our knowledge, no occurrence of c.1315+18G>A in individuals affected with Alport Syndrome, Autosomal Recessive and no experimental evidence demonstrating its impact on protein function have been reported. One clinical diagnostic laboratory has submitted clinical-significance assessments for this variant to ClinVar after 2014 without evidence for independent evaluation and classified the variant as likely benign. Based on the evidence outlined above, the variant was classified as likely benign.